The following is an entry in ClinVar:

ClinVar aggregate classification (germline): Uncertain significance (1 of 4 stars; one submission).

Conditions:
Chuvash polycythemia. Also called: POLYCYTHEMIA, VHL-DEPENDENT. Identifiers: Orphanet 238557, MedGen C1837915, MONDO:0009892, OMIM 263400.
Von Hippel-Lindau syndrome (VHLS). Also called: VHL syndrome; Von Hippel-Lindau; von Hippel–Lindau syndrome. Identifiers: Orphanet 892, MedGen C0019562, MONDO:0008667, OMIM 193300. Disease mechanism: loss of function.

Submission:

Labcorp Genetics (formerly Invitae), Labcorp
Classification: Uncertain significance for Von Hippel-Lindau syndrome; Chuvash polycythemia. Last evaluated: 2019-12-11. Review status: criteria provided, single submitter. Criteria: Invitae Variant Classification Sherloc (09022015). Collection method: clinical testing. Allele origin: germline.
Comment: In summary, the available evidence is currently insufficient to determine the role of this variant in disease. Therefore, it has been classified as a Variant of Uncertain Significance. Experimental studies and prediction algorithms are not available or were not evaluated, and the functional significance of this variant is currently unknown. This variant has not been reported in the literature in individuals with VHL-related conditions. The frequency data for this variant in the population databases is considered unreliable, as metrics indicate insufficient coverage at this position in the ExAC database. This sequence change falls in intron 1 of the VHL gene. It does not directly change the encoded amino acid sequence of the VHL protein, but it affects a nucleotide within the consensus splice site of the intron.

NM_000551.4(VHL):c.340+732T>G

Genes: VHL (von Hippel-Lindau tumor suppressor; plus strand), LOC107303340 (3p25 von Hippel-Lindau tumor suppressor, E3 ubiquitin protein ligase Alu-mediated recombination region; plus strand). Cytogenetic location: 3p25.3.
Variant type: single nucleotide variant.
Coding change: c.340+732T>G on transcript NM_000551.4 (MANE Select); 732 bases into the intron after coding-DNA position 340, T replaced by G.
Molecular consequence: intron variant. On other transcripts: missense variant (1).
Genome position (GRCh38, 1-based): chr3:10,142,919, T>G. VCF-style: chr3-10142919-T-G. GRCh37 (hg19) VCF-style: chr3-10184603-T-G.
Other names: c.497T>G, p.Leu166Arg (NM_001354723.2); c.340+732T>G (NM_198156.3); short protein forms L166R.
Identifiers: ClinVar variation 849597 (VCV000849597.10), dbSNP rs1696162641, ClinGen allele CA916081415.